The following is an entry in ClinVar:

ClinVar aggregate classification (germline): Uncertain significance (1 of 4 stars; one submission).

Conditions:
Hyperkalemic periodic paralysis. Also called: Familial hyperkalemic periodic paralysis; Gamstorp disease. Identifiers: Orphanet 682, MedGen C0238357, MONDO:0008224, OMIM 170500, HP:0007215.

Submission:

Labcorp Genetics (formerly Invitae), Labcorp
Classification: Uncertain significance for Hyperkalemic periodic paralysis. Last evaluated: 2022-11-15. Review status: criteria provided, single submitter. Criteria: Invitae Variant Classification Sherloc (09022015). Collection method: clinical testing. Allele origin: germline.
Comment: This sequence change replaces phenylalanine, which is neutral and non-polar, with serine, which is neutral and polar, at codon 594 of the SCN4A protein (p.Phe594Ser). This variant is not present in population databases (gnomAD no frequency). This variant has not been reported in the literature in individuals affected with SCN4A-related conditions. ClinVar contains an entry for this variant (Variation ID: 1483854). Advanced modeling of protein sequence and biophysical properties (such as structural, functional, and spatial information, amino acid conservation, physicochemical variation, residue mobility, and thermodynamic stability) performed at Invitae indicates that this missense variant is expected to disrupt SCN4A protein function. In summary, the available evidence is currently insufficient to determine the role of this variant in disease. Therefore, it has been classified as a Variant of Uncertain Significance.

NM_000334.4(SCN4A):c.1781T>C (p.Phe594Ser)

Gene: SCN4A (sodium voltage-gated channel alpha subunit 4; minus strand). Cytogenetic location: 17q23.3.
Variant type: single nucleotide variant.
Coding change: c.1781T>C on transcript NM_000334.4 (MANE Select); coding-DNA position 1781, T replaced by C.
Protein change: p.Phe594Ser; replaces phenylalanine 594 with serine.
Molecular consequence: missense variant.
Genome position (GRCh38, 1-based): chr17:63,961,257, A>G on the plus strand (T>C on the coding strand, the complement: SCN4A is on the minus strand). VCF-style: chr17-63961257-A-G. GRCh37 (hg19) VCF-style: chr17-62038617-A-G.
Other names: short protein forms F594S.
Identifiers: ClinVar variation 1483854 (VCV001483854.6), dbSNP rs2144798663, ClinGen allele CA400632990.